The following is an entry in ClinVar:

NM_000245.4(MET):c.4067A>G (p.Tyr1356Cys)

Gene: MET (MET proto-oncogene, receptor tyrosine kinase; plus strand). Cytogenetic location: 7q31.2.
Variant type: single nucleotide variant.
Coding change: c.4067A>G on transcript NM_000245.4 (MANE Select); coding-DNA position 4067, A replaced by G.
Protein change: p.Tyr1356Cys; replaces tyrosine 1356 with cysteine.
Molecular consequence: missense variant.
Genome position (GRCh38, 1-based): chr7:116,796,018, A>G. VCF-style: chr7-116796018-A-G. GRCh37 (hg19) VCF-style: chr7-116436072-A-G.
Other names: c.4121A>G, p.Tyr1374Cys (NM_001127500.3); c.2777A>G, p.Tyr926Cys (NM_001324402.2); short protein forms Y1356C, Y1374C, Y926C.
Identifiers: ClinVar variation 3232995 (VCV003232995.1), dbSNP rs2117112415, ClinGen allele CA369118326.

ClinVar aggregate classification (germline): Uncertain significance (1 of 4 stars; one submission).

Conditions:
Hereditary cancer-predisposing syndrome. Also called: Neoplastic Syndromes, Hereditary; Tumor predisposition; Hereditary neoplastic syndrome; Hereditary Cancer Syndrome. Identifiers: Orphanet 140162, MedGen C0027672, MeSH D009386, MONDO:0015356.

Submission:

Ambry Genetics
Classification: Uncertain significance for Hereditary cancer-predisposing syndrome. Last evaluated: 2024-02-16. Review status: criteria provided, single submitter. Criteria: Ambry Variant Classification Scheme 2023. Collection method: clinical testing. Allele origin: germline.
Comment: The p.Y1374C variant (also known as c.4121A>G), located in coding exon 20 of the MET gene, results from an A to G substitution at nucleotide position 4121. The tyrosine at codon 1374 is replaced by cysteine, an amino acid with highly dissimilar properties. This amino acid position is conserved. In addition, this alteration is predicted to be deleterious by in silico analysis. Based on the available evidence, the clinical significance of this alteration remains unclear.